The following is an entry in ClinVar:

NM_182641.4(BPTF):c.8251_8257del (p.Asp2751fs)

Gene: BPTF (bromodomain PHD finger transcription factor; plus strand). Cytogenetic location: 17q24.2.
Variant type: Deletion.
Coding change: c.8251_8257del on transcript NM_182641.4 (MANE Select); coding-DNA positions 8251 to 8257, 7 bases deleted (GATGAAT; older notation c.8251_8257delGATGAAT).
Protein change: p.Asp2751fs; shifts the reading frame from aspartic acid 2751.
Molecular consequence: frameshift variant.
Genome position (GRCh38, 1-based): chr17:67,959,865-67,959,871, GATGAAT deleted; deleting any 7 consecutive bases within chr17:67,959,863-67,959,871 gives the same sequence; the c. name uses the placement nearest the transcript's 3' end. VCF-style (leftmost placement, unchanged base first): chr17-67959862-TATGATGA-T. GRCh37 (hg19) VCF-style: chr17-65955978-TATGATGA-T.
Other names: c.8011_8017del, p.Asp2671fs (NM_001439143.1, NM_001439144.1); c.8200_8206del, p.Asp2734fs (NM_004459.7, NM_001439140.1, NM_001439142.1); c.8440_8446del, p.Asp2814fs (NM_001439139.1); c.8173_8179del, p.Asp2725fs (NM_001439141.1); short protein forms D2671fs, D2725fs, D2734fs, D2751fs, D2814fs.
Identifiers: ClinVar variation 4855199 (VCV004855199.1).

ClinVar aggregate classification (germline): Likely pathogenic (1 of 4 stars; one submission).

Conditions:
Neurodevelopmental disorder with dysmorphic facies and distal limb anomalies. Identifiers: Orphanet 686482, MedGen C4540327, MONDO:0060596, OMIM 617755.

Submission:

3billion
Classification: Likely pathogenic for Neurodevelopmental disorder with dysmorphic facies and distal limb anomalies. Last evaluated: 2025-05-22. Review status: criteria provided, single submitter. Criteria: ACMG Guidelines, 2015. Collection method: clinical testing. Allele origin: germline. Affected: yes.
Comment: The variant is not observed in the gnomAD v4.1.0 dataset. Predicted Consequence/Location: Frameshift: predicted to result in a loss or disruption of normal protein function through nonsense-mediated decay (NMD) or protein truncation. Multiple pathogenic variants are reported downstream of the variant. Therefore, this variant is classified as Likely pathogenic according to the recommendation of ACMG/AMP guideline.